The following is an entry in ClinVar:

NM_020921.4(NIN):c.4898G>A (p.Arg1633Gln)

Gene: NIN (ninein; minus strand). Cytogenetic location: 14q22.1.
Variant type: single nucleotide variant.
Coding change: c.4898G>A on transcript NM_020921.4 (MANE Select); coding-DNA position 4898, G replaced by A.
Protein change: p.Arg1633Gln; replaces arginine 1633 with glutamine.
Molecular consequence: missense variant.
Genome position (GRCh38, 1-based): chr14:50,752,570, C>T on the plus strand (G>A on the coding strand, the complement: NIN is on the minus strand). VCF-style: chr14-50752570-C-T. GRCh37 (hg19) VCF-style: chr14-51219288-C-T.
Other names: c.2759G>A, p.Arg920Gln (NM_016350.5); c.4898G>A, p.Arg1633Gln (NM_182944.3, NM_182946.2); short protein forms R1633Q, R920Q.
Identifiers: ClinVar variation 1336157 (VCV001336157.9), dbSNP rs375891968, ClinGen allele CA7181470.

ClinVar aggregate classification (germline): Conflicting classifications of pathogenicity. Review status: criteria provided, conflicting classifications (1 of 4 stars). 3 submissions from 3 submitters: Uncertain significance (2); Likely benign (1). Last evaluated 2024-01-09.

Allele frequency attached by ClinVar (database versions not stated): ExAC 0.00004; gnomAD 0.00005 and 0.00006; gnomAD exomes 0.00008; TOPMed 0.00008; ESP Exome Variant Server 0.00015.
gnomAD v4.1: 176 of 1,613,924 alleles (0.011%); highest among the groups gnomAD compares: Non-Finnish European, 0.014%; 1 homozygote.

Submissions (3):

Labcorp Genetics (formerly Invitae), Labcorp
Classification: Uncertain significance. Last evaluated: 2024-01-09. Review status: criteria provided, single submitter. Criteria: Invitae Variant Classification Sherloc (09022015). Collection method: clinical testing. Allele origin: germline.
Comment: This sequence change replaces arginine, which is basic and polar, with glutamine, which is neutral and polar, at codon 1633 of the NIN protein (p.Arg1633Gln). This variant is present in population databases (rs375891968, gnomAD 0.01%). This variant has not been reported in the literature in individuals affected with NIN-related conditions. ClinVar contains an entry for this variant (Variation ID: 1336157). Algorithms developed to predict the effect of missense changes on protein structure and function output the following: SIFT: "Not Available"; PolyPhen-2: "Benign"; Align-GVGD: "Not Available". The glutamine amino acid residue is found in multiple mammalian species, which suggests that this missense change does not adversely affect protein function. In summary, the available evidence is currently insufficient to determine the role of this variant in disease. Therefore, it has been classified as a Variant of Uncertain Significance.

Ambry Genetics
Classification: Likely benign. Last evaluated: 2021-08-16. Review status: criteria provided, single submitter. Criteria: Ambry Variant Classification Scheme 2023. Collection method: clinical testing. Allele origin: germline.

Genetic Services Laboratory, University of Chicago
Classification: Uncertain significance. Last evaluated: 2017-08-02. Review status: criteria provided, single submitter. Criteria: ACMG Guidelines, 2015. Collection method: clinical testing. Allele origin: germline. Affected: no.